The following is an entry in ClinVar:

ClinVar aggregate classification (germline): Pathogenic (1 of 4 stars; one submission).

Conditions:
Joubert syndrome 18 (JBTS18). Identifiers: Orphanet 2754, MedGen C3553758, MONDO:0013896, OMIM 614815.
Orofacial-digital syndrome IV (OFD4). Also called: BARAITSER-BURN SYNDROME; OFD SYNDROME WITH TIBIAL DEFECTS; OFD SYNDROME, BARAITSER-BURN TYPE; OFDS IV; ORAL-FACIAL-DIGITAL SYNDROME, TYPE IV; MOHR-MAJEWSKI SYNDROME. Identifiers: Orphanet 2753, MedGen C0406727, MONDO:0009794, OMIM 258860.

Submission:

Labcorp Genetics (formerly Invitae), Labcorp
Classification: Pathogenic for Joubert syndrome 18; Orofacial-digital syndrome IV. Last evaluated: 2026-01-11. Review status: criteria provided, single submitter. Criteria: Invitae Variant Classification Sherloc (09022015). Collection method: clinical testing. Allele origin: germline.
Comment: This sequence change creates a premature translational stop signal (p.Leu238Serfs*11) in the TCTN3 gene. It is expected to result in an absent or disrupted protein product. Loss-of-function variants in TCTN3 are known to be pathogenic (PMID: 2692869, 22883145, 25118024). This variant is not present in population databases (gnomAD no frequency). This variant has not been reported in the literature in individuals affected with TCTN3-related conditions. For these reasons, this variant has been classified as Pathogenic.

Literature cited by the submitters: PubMed 2692869; PubMed 22883145; PubMed 25118024.

NM_015631.6(TCTN3):c.711del (p.Leu238fs)

Gene: TCTN3 (tectonic family member 3; minus strand). Cytogenetic location: 10q24.1.
Variant type: Deletion.
Coding change: c.711del on transcript NM_015631.6 (MANE Select); coding-DNA position 711, one base deleted (A; older notation c.711delA).
Protein change: p.Leu238fs; shifts the reading frame from leucine 238.
Molecular consequence: frameshift variant. On other transcripts: intron variant (1).
Genome position (GRCh38, 1-based): chr10:95,687,272, T deleted on the plus strand (A on the coding strand, the reverse complement: TCTN3 is on the minus strand). VCF-style (leftmost placement, unchanged base first): chr10-95687271-GT-G. GRCh37 (hg19) VCF-style: chr10-97447028-GT-G.
Other names: c.711del, p.Leu238fs (NM_001410982.1); c.500-113del (NM_001143973.2); short protein forms L238fs.
Identifiers: ClinVar variation 4787190 (VCV004787190.1).